The following is an entry in ClinVar:

ClinVar aggregate classification (germline): Conflicting classifications of pathogenicity. Review status: criteria provided, conflicting classifications (1 of 4 stars). 4 submissions from 4 submitters: Uncertain significance (1); Likely benign (3). Last evaluated 2025-08-01.

Conditions:
Inborn genetic diseases. Identifiers: MedGen C0950123, MeSH D030342.
Pontocerebellar hypoplasia type 1B. Also called: EXOSC3 Pontocerebellar Hypoplasia. Identifiers: Orphanet 2254, MedGen C3553449, MONDO:0013853, OMIM 614678.

Allele frequency attached by ClinVar (database versions not stated): gnomAD 0.00038 and 0.00042; gnomAD exomes 0.00047 and 0.00099; TOPMed 0.00049; 1000 Genomes Project 30x 0.00078; ExAC 0.00090; 1000 Genomes Project 0.00100.

Submissions (4):

CeGaT Center for Human Genetics Tuebingen
Classification: Likely benign. Last evaluated: 2025-08-01. Review status: criteria provided, single submitter. Criteria: CeGaT Center For Human Genetics Tuebingen Variant Classification Criteria Version 2. Collection method: clinical testing. Allele origin: germline. Affected: yes. Observed: 1 variant allele.
Comment: EXOSC3: BS2

Ambry Genetics
Classification: Likely benign for Inborn genetic diseases. Last evaluated: 2022-05-29. Review status: criteria provided, single submitter. Criteria: Ambry Variant Classification Scheme 2023. Collection method: clinical testing. Allele origin: germline.

Labcorp Genetics (formerly Invitae), Labcorp
Classification: Likely benign for Pontocerebellar hypoplasia, type 1b. Last evaluated: 2019-12-31. Review status: criteria provided, single submitter. Criteria: Invitae Variant Classification Sherloc (09022015). Collection method: clinical testing. Allele origin: germline.

Illumina Laboratory Services, Illumina
Classification: Uncertain significance for Pontocerebellar hypoplasia type 1B. Last evaluated: 2018-01-13. Review status: criteria provided, single submitter. Criteria: ICSL Variant Classification Criteria 13 December 2019. Collection method: clinical testing. Allele origin: germline.

NM_016042.4(EXOSC3):c.52C>T (p.Arg18Cys)

Gene: EXOSC3 (exosome component 3; minus strand). Cytogenetic location: 9p13.2.
Variant type: single nucleotide variant.
Coding change: c.52C>T on transcript NM_016042.4 (MANE Select); coding-DNA position 52, C replaced by T.
Protein change: p.Arg18Cys; replaces arginine 18 with cysteine.
Molecular consequence: missense variant.
Genome position (GRCh38, 1-based): chr9:37,784,993, G>A on the plus strand (C>T on the coding strand, the complement: EXOSC3 is on the minus strand). VCF-style: chr9-37784993-G-A. GRCh37 (hg19) VCF-style: chr9-37784990-G-A.
Other names: c.52C>T, p.Arg18Cys (NM_001002269.2); c.52C>T (NM_016042.2); short protein forms R18C.
Identifiers: ClinVar variation 746976 (VCV000746976.19), dbSNP rs147135294, ClinGen allele CA5062864.